The following is an entry in ClinVar:

NM_000551.4(VHL):c.340+713C>A

Genes: VHL (von Hippel-Lindau tumor suppressor; plus strand), LOC107303340 (3p25 von Hippel-Lindau tumor suppressor, E3 ubiquitin protein ligase Alu-mediated recombination region; plus strand). Cytogenetic location: 3p25.3.
Variant type: single nucleotide variant.
Coding change: c.340+713C>A on transcript NM_000551.4 (MANE Select); 713 bases into the intron after coding-DNA position 340, C replaced by A.
Molecular consequence: intron variant. On other transcripts: missense variant (1).
Genome position (GRCh38, 1-based): chr3:10,142,900, C>A. VCF-style: chr3-10142900-C-A. GRCh37 (hg19) VCF-style: chr3-10184584-C-A.
Other names: c.478C>A, p.Arg160Ser (NM_001354723.2); c.340+713C>A (NM_198156.3); short protein forms R160S.
Identifiers: ClinVar variation 1009104 (VCV001009104.9), dbSNP rs1432659600, ClinGen allele CA1345067389.

ClinVar aggregate classification (germline): Uncertain significance (1 of 4 stars; one submission).

Conditions:
Chuvash polycythemia. Also called: POLYCYTHEMIA, VHL-DEPENDENT. Identifiers: Orphanet 238557, MedGen C1837915, MONDO:0009892, OMIM 263400.
Von Hippel-Lindau syndrome (VHLS). Also called: VHL syndrome; von Hippel–Lindau syndrome; Von Hippel-Lindau. Identifiers: Orphanet 892, MedGen C0019562, MONDO:0008667, OMIM 193300. Disease mechanism: loss of function.

Submission:

Labcorp Genetics (formerly Invitae), Labcorp
Classification: Uncertain significance for Von Hippel-Lindau syndrome; Chuvash polycythemia. Last evaluated: 2026-01-26. Review status: criteria provided, single submitter. Criteria: Invitae Variant Classification Sherloc (09022015). Collection method: clinical testing. Allele origin: germline.
Comment: This sequence change falls in intron 1 of the VHL gene. It is not expected to change the encoded amino acid sequence of the VHL protein. However, this sequence change falls within a cryptic exon in the VHL gene, known as exon E1’, which is naturally expressed at low levels in several human tissues (PMID: 29891534). This variant is not present in population databases (gnomAD no frequency). This variant has not been reported in the literature in individuals affected with VHL-related conditions. ClinVar contains an entry for this variant (Variation ID: 1009104). Experimental studies and prediction algorithms are not available or were not evaluated, and the functional significance of this variant is currently unknown. Algorithms developed to predict the effect of sequence changes on RNA splicing suggest that this variant is not likely to affect RNA splicing. In summary, the available evidence is currently insufficient to determine the role of this variant in disease. Therefore, it has been classified as a Variant of Uncertain Significance.

Literature cited by the submitters: PubMed 29891534.